The following is an entry in ClinVar:

NM_015272.5(RPGRIP1L):c.1912T>C (p.Tyr638His)

Gene: RPGRIP1L (RPGRIP1 like; minus strand). Cytogenetic location: 16q12.2.
Variant type: single nucleotide variant.
Coding change: c.1912T>C on transcript NM_015272.5 (MANE Select); coding-DNA position 1912, T replaced by C.
Protein change: p.Tyr638His; replaces tyrosine 638 with histidine.
Molecular consequence: missense variant.
Genome position (GRCh38, 1-based): chr16:53,652,775, A>G on the plus strand (T>C on the coding strand, the complement: RPGRIP1L is on the minus strand). VCF-style: chr16-53652775-A-G. GRCh37 (hg19) VCF-style: chr16-53686687-A-G.
Other names: c.1912T>C, p.Tyr638His (NM_001127897.4, NM_001308334.3, NM_001330538.2); short protein forms Y638H.
Identifiers: ClinVar variation 5000812 (VCV005000812.1).

ClinVar aggregate classification (germline): Uncertain significance (1 of 4 stars; one submission).

Conditions:
RPGRIP1L-related disorder. Also called: RPGRIP1L-related disorders; RPGRIP1L-related condition. Identifiers: MedGen CN239416.

gnomAD v4.1: 1 of 1,614,168 alleles (0.000062%); highest among the groups gnomAD compares: Non-Finnish European, 0.000085%; no homozygotes.

Submission:

PreventionGenetics, part of Exact Sciences
Classification: Uncertain significance for RPGRIP1L-related condition. Last evaluated: 2026-07-01. Review status: criteria provided, single submitter. Criteria: ACMG Guidelines, 2015. Collection method: clinical testing. Allele origin: germline.
Comment: The RPGRIP1L c.1912T>C variant is predicted to result in the amino acid substitution p.Tyr638His. To our knowledge, this variant has not been reported in the literature or in a large population database (gnomAD), indicating this variant is rare. At this time, the clinical significance of this variant is uncertain due to the absence of conclusive functional and genetic evidence.